The following is an entry in ClinVar:

NM_207122.2(EXT2):c.1935+1G>T

Gene: EXT2 (exostosin glycosyltransferase 2; plus strand). Cytogenetic location: 11p11.2.
Variant type: single nucleotide variant.
Coding change: c.1935+1G>T on transcript NM_207122.2 (MANE Select); the canonical splice donor site of the intron after coding-DNA position 1935, G replaced by T.
Molecular consequence: splice donor variant.
Genome position (GRCh38, 1-based): chr11:44,234,244, G>T. VCF-style: chr11-44234244-G-T. GRCh37 (hg19) VCF-style: chr11-44255794-G-T.
Other names: c.1935+1G>T (NM_001389630.1, NM_001389628.1); c.1965+1G>T (NM_001178083.3); c.2034+1G>T (NM_000401.3).
Identifiers: ClinVar variation 2890503 (VCV002890503.4), dbSNP rs945058783, ClinGen allele CA221498224.

ClinVar aggregate classification (germline): Conflicting classifications of pathogenicity. Review status: criteria provided, conflicting classifications (1 of 4 stars). 2 submissions from 2 submitters: Likely pathogenic (1); Uncertain significance (1). Last evaluated 2024-11-07.

Conditions:
Exostoses, multiple, type 2 (EXT2). Also called: Hereditary Multiple Osteochondromatosis, Type II; EXOSTOSES, MULTIPLE, TYPE II. Identifiers: Orphanet 321, MedGen C1851413, MONDO:0007586, OMIM 133701.

gnomAD v4.1: 3 of 1,613,838 alleles (0.00019%); highest among the groups gnomAD compares: Admixed American, 0.0017%; no homozygotes.

Submissions (2):

Labcorp Genetics (formerly Invitae), Labcorp
Classification: Likely pathogenic for Exostoses, multiple, type 2. Last evaluated: 2024-11-07. Review status: criteria provided, single submitter. Criteria: Invitae Variant Classification Sherloc (09022015). Collection method: clinical testing. Allele origin: germline.
Comment: This sequence change affects a donor splice site in intron 12 of the EXT2 gene. It is expected to disrupt RNA splicing. Variants that disrupt the donor or acceptor splice site typically lead to a loss of protein function (PMID: 16199547), and loss-of-function variants in EXT2 are known to be pathogenic (PMID: 10679937, 19810120). This variant is present in population databases (no rsID available, gnomAD 0.003%). This variant has not been reported in the literature in individuals affected with EXT2-related conditions. ClinVar contains an entry for this variant (Variation ID: 2890503). Algorithms developed to predict the effect of sequence changes on RNA splicing suggest that this variant may disrupt the consensus splice site. In summary, the currently available evidence indicates that the variant is pathogenic, but additional data are needed to prove that conclusively. Therefore, this variant has been classified as Likely Pathogenic.

Baylor Genetics
Classification: Uncertain significance for Exostoses, multiple, type 2. Last evaluated: 2024-03-10. Review status: criteria provided, single submitter. Criteria: ACMG Guidelines, 2015. Collection method: clinical testing. Allele origin: unknown.

Literature cited by the submitters: PubMed 16199547 (cited by Labcorp Genetics (formerly Invitae), Labcorp); PubMed 10679937 (cited by Labcorp Genetics (formerly Invitae), Labcorp); PubMed 19810120 (cited by Labcorp Genetics (formerly Invitae), Labcorp).